The following is an entry in ClinVar:

NM_001009999.3(KDM1A):c.1252C>T (p.His418Tyr)

Gene: KDM1A (lysine demethylase 1A; plus strand). Cytogenetic location: 1p36.12.
Variant type: single nucleotide variant.
Coding change: c.1252C>T on transcript NM_001009999.3 (MANE Select); coding-DNA position 1252, C replaced by T.
Protein change: p.His418Tyr; replaces histidine 418 with tyrosine.
Molecular consequence: missense variant.
Genome position (GRCh38, 1-based): chr1:23,068,611, C>T. VCF-style: chr1-23068611-C-T. GRCh37 (hg19) VCF-style: chr1-23395104-C-T.
Other names: c.1180C>T, p.His394Tyr (NM_001363654.2, NM_001410763.1, NM_015013.4); c.1240C>T, p.His414Tyr (NM_001410762.1); short protein forms H394Y, H414Y, H418Y.
Identifiers: ClinVar variation 4091098 (VCV004091098.1).

ClinVar aggregate classification (germline): Uncertain significance (1 of 4 stars; one submission).

Conditions:
Inborn genetic diseases. Identifiers: MedGen C0950123, MeSH D030342.

Submission:

Ambry Genetics
Classification: Uncertain significance for Inborn genetic diseases. Last evaluated: 2025-08-19. Review status: criteria provided, single submitter. Criteria: Ambry Variant Classification Scheme 2023. Collection method: clinical testing. Allele origin: germline.
Comment: The p.H418Y variant (also known as c.1252C>T), located in coding exon 11 of the KDM1A gene, results from a C to T substitution at nucleotide position 1252. The histidine at codon 418 is replaced by tyrosine, an amino acid with similar properties. This amino acid position is conserved. In addition, this alteration is predicted to be deleterious by in silico analysis. Based on the available evidence, the clinical significance of this variant remains unclear.